The following is an entry in ClinVar:

NM_130837.3(OPA1):c.1550C>A (p.Thr517Asn)

Gene: OPA1 (OPA1 mitochondrial dynamin like GTPase; plus strand). Cytogenetic location: 3q29.
Variant type: single nucleotide variant.
Coding change: c.1550C>A on transcript NM_130837.3 (MANE Select); coding-DNA position 1550, C replaced by A.
Protein change: p.Thr517Asn; replaces threonine 517 with asparagine.
Molecular consequence: missense variant.
Genome position (GRCh38, 1-based): chr3:193,644,047, C>A. VCF-style: chr3-193644047-C-A. GRCh37 (hg19) VCF-style: chr3-193361836-C-A.
Other names: c.1016C>A, p.Thr339Asn (NM_001354663.2); c.1013C>A, p.Thr338Asn (NM_001354664.2); c.1385C>A, p.Thr462Asn (NM_015560.3); c.1277C>A, p.Thr426Asn (NM_130831.3); c.1331C>A, p.Thr444Asn (NM_130832.3); c.1388C>A, p.Thr463Asn (NM_130833.3); c.1439C>A, p.Thr480Asn (NM_130834.3); c.1442C>A, p.Thr481Asn (NM_130835.3); and 1 more; short protein forms T463N, T480N, T339N, T444N, T499N, T338N, T426N, T462N.
Identifiers: ClinVar variation 2088246 (VCV002088246.4), dbSNP rs756210793, ClinGen allele CA355789848.

ClinVar aggregate classification (germline): Uncertain significance (1 of 4 stars; one submission).

Submission:

Labcorp Genetics (formerly Invitae), Labcorp
Classification: Uncertain significance. Last evaluated: 2024-02-17. Review status: criteria provided, single submitter. Criteria: Invitae Variant Classification Sherloc (09022015). Collection method: clinical testing. Allele origin: germline.
Comment: This sequence change replaces threonine, which is neutral and polar, with asparagine, which is neutral and polar, at codon 462 of the OPA1 protein (p.Thr462Asn). This variant is not present in population databases (gnomAD no frequency). This variant has not been reported in the literature in individuals affected with OPA1-related conditions. ClinVar contains an entry for this variant (Variation ID: 2088246). Advanced modeling of protein sequence and biophysical properties (such as structural, functional, and spatial information, amino acid conservation, physicochemical variation, residue mobility, and thermodynamic stability) performed at Invitae indicates that this missense variant is expected to disrupt OPA1 protein function with a positive predictive value of 80%. In summary, the available evidence is currently insufficient to determine the role of this variant in disease. Therefore, it has been classified as a Variant of Uncertain Significance.